The following is an entry in ClinVar:

ClinVar aggregate classification (germline): Pathogenic (1 of 4 stars; one submission).

Conditions:
Tuberous sclerosis 1 (TSC1). Identifiers: Orphanet 805, MedGen C1854465, MONDO:0008612, OMIM 191100.

Submission:

Oasi Research Institute-IRCCS
Classification: Pathogenic for Tuberous sclerosis 1. Review status: criteria provided, single submitter. Criteria: ACMG Guidelines, 2015. Collection method: research. Allele origin: inherited. Affected: yes.
Comment: The genomic variant c.192_195del is a deletion of four nucleotides within the coding sequence of the gene. This deletion may lead to a frameshift mutation. It is expected to result in protein truncation or nonsense mediated decay. ACMG criteria: PVS1 (LOF), PP4 (phenotype match), PM2 (absent from controls), PP3 (in silico evidence), PS4 (affected individuals) = Pathogenic. Based on the evidence outlined above, the variant was classified as likely pathogenic.

NM_000368.5(TSC1):c.193_196del (p.Gln65fs)

Gene: TSC1 (TSC complex subunit 1; minus strand). Cytogenetic location: 9q34.13.
Variant type: Deletion.
Coding change: c.193_196del on transcript NM_000368.5 (MANE Select); coding-DNA positions 193 to 196, 4 bases deleted (CAAG; older notation c.193_196delCAAG).
Protein change: p.Gln65fs; shifts the reading frame from glutamine 65.
Molecular consequence: frameshift variant. On other transcripts: 5 prime UTR variant (9), non-coding transcript variant (4), intron variant (9).
Genome position (GRCh38, 1-based): chr9:132,927,215-132,927,218, CTTG deleted on the plus strand (CAAG on the coding strand, the reverse complement: TSC1 is on the minus strand); deleting any 4 consecutive bases within chr9:132,927,215-132,927,219 gives the same sequence; the c. name uses the placement nearest the transcript's 3' end. VCF-style (leftmost placement, unchanged base first): chr9-132927214-TCTTG-T. GRCh37 (hg19) VCF-style: chr9-135802601-TCTTG-T.
Other names: c.193_196del, p.Gln65fs (NM_001406599.1, NM_001406600.1, NM_001406601.1 and 21 more transcripts); c.-296_-293del (NM_001406615.1, NM_001406623.1); c.-263_-260del (NM_001406616.1, NM_001406624.1); c.-685_-682del (NM_001406626.1, NM_001406627.1, NM_001406628.1); c.-827_-824del (NM_001406629.1); c.-901_-898del (NM_001406630.1); c.-153-1479_-153-1476del (NM_001406620.1, NM_001406618.1, NM_001406625.1 and 5 more transcripts); c.-245-1479_-245-1476del (NM_001406614.1); and 1 more; short protein forms Q65fs.
Identifiers: ClinVar variation 3777253 (VCV003777253.1).
Genomic context (GRCh38, chr9:132,927,214, plus strand): 5'-GTACTCATGAAGAACATATGAAATGCCTATGATATTTCAGCCATTACCTTGTCATGTGGC[TCTTG>T]CAAGGTGGTCAGGATGTGCAATGCCGGCTGAGAGCTGGTTTCCAGGTAATAATCCACCAA-3'